The following is an entry in ClinVar:

NM_006262.4(PRPH):c.697G>A (p.Glu233Lys)

Genes: PRPH (peripherin; plus strand), TROAP-AS1 (TROAP and PRPH antisense RNA 1; minus strand). Cytogenetic location: 12q13.12.
Variant type: single nucleotide variant.
Coding change: c.697G>A on transcript NM_006262.4 (MANE Select); coding-DNA position 697, G replaced by A.
Protein change: p.Glu233Lys; replaces glutamic acid 233 with lysine.
Molecular consequence: missense variant. On other transcripts: non-coding transcript variant (1).
Genome position (GRCh38, 1-based): chr12:49,296,522, G>A. VCF-style: chr12-49296522-G-A. GRCh37 (hg19) VCF-style: chr12-49690305-G-A.
Other names: short protein forms E233K.
Identifiers: ClinVar variation 2342829 (VCV002342829.5), dbSNP rs143427105, ClinGen allele CA6550915.

ClinVar aggregate classification (germline): Uncertain significance. Review status: criteria provided, multiple submitters, no conflicts (2 of 4 stars). 3 submissions from 3 submitters: Uncertain significance (3). Last evaluated 2026-09-01.

Conditions:
Inborn genetic diseases. Identifiers: MedGen C0950123, MeSH D030342.

Allele frequency attached by ClinVar (database versions not stated): ExAC 0.00016; gnomAD 0.00016; gnomAD exomes 0.00019; TOPMed 0.00020; ESP Exome Variant Server 0.00038.
gnomAD v4.1: 301 of 1,613,936 alleles (0.019%); highest among the groups gnomAD compares: Non-Finnish European, 0.025%; no homozygotes.

Submissions (3):

CeGaT Center for Human Genetics Tuebingen
Classification: Uncertain significance. Last evaluated: 2026-09-01. Review status: criteria provided, single submitter. Criteria: CeGaT Center For Human Genetics Tuebingen Variant Classification Criteria Version 2. Collection method: clinical testing. Allele origin: germline. Affected: yes. Observed: 1 variant allele.
Comment: PRPH: PM2, PP3

GeneDx
Classification: Uncertain significance. Last evaluated: 2026-06-06. Review status: criteria provided, single submitter. Criteria: GeneDx Variant Classification Process June 2021. Collection method: clinical testing. Allele origin: germline.
Comment: In silico analysis supports that this missense variant has a deleterious effect on protein structure/function; Has not been previously published as pathogenic or benign to our knowledge

Ambry Genetics
Classification: Uncertain significance for Inborn genetic diseases. Last evaluated: 2021-11-15. Review status: criteria provided, single submitter. Criteria: Ambry Variant Classification Scheme 2023. Collection method: clinical testing. Allele origin: germline.